The following is an entry in ClinVar:

NM_001355436.2(SPTB):c.823_825del (p.His275del)

Gene: SPTB (spectrin beta, erythrocytic; minus strand). Cytogenetic location: 14q23.3.
Variant type: Deletion.
Coding change: c.823_825del on transcript NM_001355436.2 (MANE Select); coding-DNA positions 823 to 825, 3 bases deleted (CAC; older notation c.823_825delCAC).
Protein change: p.His275del; deletes histidine 275.
Genome position (GRCh38, 1-based): chr14:64,800,807-64,800,809, GTG deleted on the plus strand (CAC on the coding strand, the reverse complement: SPTB is on the minus strand); deleting any 3 consecutive bases within chr14:64,800,807-64,800,811 gives the same sequence; the c. name uses the placement nearest the transcript's 3' end. VCF-style (leftmost placement, unchanged base first): chr14-64800806-AGTG-A. GRCh37 (hg19) VCF-style: chr14-65267524-AGTG-A.
Other names: c.823_825del, p.His275del (NM_001024858.4, NM_001355437.2); c.823_825delCAC (NM_001355436.2); short protein forms H275del.
Identifiers: ClinVar variation 3765285 (VCV003765285.1).

ClinVar aggregate classification (germline): Likely pathogenic (1 of 4 stars; one submission).

Submission:

Center for Genomic Medicine, Rigshospitalet, Copenhagen University Hospital
Classification: Likely pathogenic. Last evaluated: 2025-03-04. Review status: criteria provided, single submitter. Criteria: ACMG Guidelines, 2015. Collection method: clinical testing. Allele origin: germline.
Comment: Classification criteria: PS2, PM2_Supporting, PM5, PP3